The following is an entry in ClinVar:

ClinVar aggregate classification (germline): Uncertain significance (1 of 4 stars; one submission).

Submission:

Labcorp Genetics (formerly Invitae), Labcorp
Classification: Uncertain significance. Last evaluated: 2025-06-12. Review status: criteria provided, single submitter. Criteria: Invitae Variant Classification Sherloc (09022015). Collection method: clinical testing. Allele origin: germline.
Comment: This sequence change replaces methionine, which is neutral and non-polar, with serine, which is neutral and polar, at codon 204 of the ZIC1 protein (p.Met204Ser). Information on the frequency of this variant in the gnomAD database is not available, as this variant may be reported differently in the database. This variant has not been reported in the literature in individuals affected with ZIC1-related conditions. ClinVar contains an entry for this variant (Variation ID: 3632938). An algorithm developed to predict the effect of missense changes on protein structure and function (PolyPhen-2) suggests that this variant is likely to be tolerated. In summary, the available evidence is currently insufficient to determine the role of this variant in disease. Therefore, it has been classified as a Variant of Uncertain Significance.

NM_003412.4(ZIC1):c.610_611delinsTC (p.Met204Ser)

Gene: ZIC1 (Zic family zinc finger 1; plus strand). Cytogenetic location: 3q24.
Variant type: Indel.
Coding change: c.610_611delinsTC on transcript NM_003412.4 (MANE Select); coding-DNA positions 610 to 611, AT replaced by TC.
Protein change: p.Met204Ser; replaces methionine 204 with serine.
Molecular consequence: missense variant.
Genome position (GRCh38, 1-based): chr3:147,410,722-147,410,723, AT replaced by TC. VCF-style: chr3-147410722-AT-TC. GRCh37 (hg19) VCF-style: chr3-147128509-AT-TC.
Other names: short protein forms M204S.
Identifiers: ClinVar variation 3632938 (VCV003632938.2).